The following is an entry in ClinVar:

ClinVar aggregate classification (germline): Uncertain significance. Review status: criteria provided, multiple submitters, no conflicts (2 of 4 stars). 2 submissions from 2 submitters: Uncertain significance (2). Last evaluated 2024-12-12.

Conditions:
Hereditary pancreatitis (PCTT). Also called: Hereditary chronic pancreatitis; PRSS1-Related Hereditary Pancreatitis. Identifiers: Orphanet 676, MedGen C0238339, MONDO:0008185, OMIM 167800.

Allele frequency attached by ClinVar (database versions not stated): gnomAD exomes below 0.00001; gnomAD 0.00001.
gnomAD v4.1: 2 of 1,614,074 alleles (0.00012%); highest among the groups gnomAD compares: African/African-American, 0.0013%; no homozygotes.

Submissions (2):

Ambry Genetics
Classification: Uncertain significance for Hereditary pancreatitis. Last evaluated: 2024-12-12. Review status: criteria provided, single submitter. Criteria: Ambry Variant Classification Scheme 2023. Collection method: clinical testing. Allele origin: germline.

Labcorp Genetics (formerly Invitae), Labcorp
Classification: Uncertain significance for Hereditary pancreatitis. Last evaluated: 2024-04-24. Review status: criteria provided, single submitter. Criteria: Invitae Variant Classification Sherloc (09022015). Collection method: clinical testing. Allele origin: germline.
Comment: This sequence change replaces phenylalanine, which is neutral and non-polar, with tyrosine, which is neutral and polar, at codon 188 of the PRSS1 protein (p.Phe188Tyr). This variant is not present in population databases (gnomAD no frequency). This variant has not been reported in the literature in individuals affected with PRSS1-related conditions. ClinVar contains an entry for this variant (Variation ID: 1748792). Advanced modeling of protein sequence and biophysical properties (such as structural, functional, and spatial information, amino acid conservation, physicochemical variation, residue mobility, and thermodynamic stability) performed at Invitae indicates that this missense variant is not expected to disrupt PRSS1 protein function with a negative predictive value of 80%. In summary, the available evidence is currently insufficient to determine the role of this variant in disease. Therefore, it has been classified as a Variant of Uncertain Significance.

NM_002769.5(PRSS1):c.563T>A (p.Phe188Tyr)

Genes: PRSS1 (serine protease 1; plus strand), TRB (T cell receptor beta locus; plus strand). Cytogenetic location: 7q34.
Variant type: single nucleotide variant.
Coding change: c.563T>A on transcript NM_002769.5 (MANE Select); coding-DNA position 563, T replaced by A.
Protein change: p.Phe188Tyr; replaces phenylalanine 188 with tyrosine.
Molecular consequence: missense variant. On other transcripts: non-coding transcript variant (5).
Genome position (GRCh38, 1-based): chr7:142,752,539, T>A. VCF-style: chr7-142752539-T-A. GRCh37 (hg19) VCF-style: chr7-142460390-T-A.
Other names: short protein forms F188Y.
Identifiers: ClinVar variation 1748792 (VCV001748792.5), dbSNP rs1192281478, ClinGen allele CA369610395.